The following is an entry in ClinVar:

NM_002234.4(KCNA5):c.464A>G (p.Tyr155Cys)

Gene: KCNA5 (potassium voltage-gated channel subfamily A member 5; plus strand). Cytogenetic location: 12p13.32.
Variant type: single nucleotide variant.
Coding change: c.464A>G on transcript NM_002234.4 (MANE Select); coding-DNA position 464, A replaced by G.
Protein change: p.Tyr155Cys; replaces tyrosine 155 with cysteine.
Molecular consequence: missense variant.
Genome position (GRCh38, 1-based): chr12:5,044,611, A>G. VCF-style: chr12-5044611-A-G. GRCh37 (hg19) VCF-style: chr12-5153777-A-G.
Other names: short protein forms Y155C.
Identifiers: ClinVar variation 191457 (VCV000191457.13), dbSNP rs202117321, ClinGen allele CA236711.

ClinVar aggregate classification (germline): Conflicting classifications of pathogenicity. Review status: criteria provided, conflicting classifications (1 of 4 stars). 3 submissions from 3 submitters: Uncertain significance (2); Likely benign (1). Last evaluated 2026-01-26.

Conditions:
Atrial fibrillation, familial, 7 (ATFB7). Identifiers: MedGen C2677106, MONDO:0012828, OMIM 612240.

Allele frequency attached by ClinVar (database versions not stated): gnomAD exomes 0.00004 and 0.00007; TOPMed 0.00005; ExAC 0.00007; gnomAD 0.00007 and 0.00008.
gnomAD v4.1: 66 of 1,613,998 alleles (0.0041%); highest among the groups gnomAD compares: Non-Finnish European, 0.0011%; no homozygotes.

Submissions (3):

Labcorp Genetics (formerly Invitae), Labcorp
Classification: Likely benign for Atrial fibrillation, familial, 7. Last evaluated: 2026-01-26. Review status: criteria provided, single submitter. Criteria: Invitae Variant Classification Sherloc (09022015). Collection method: clinical testing. Allele origin: germline.

Mendelics
Classification: Uncertain significance for Atrial fibrillation, familial, 7. Last evaluated: 2019-05-28. Review status: criteria provided, single submitter. Criteria: Mendelics Assertion Criteria 2017. Collection method: clinical testing. Allele origin: unknown.

Biesecker Lab/Clinical Genomics Section, National Institutes of Health
Classification: Uncertain significance. Last evaluated: 2013-06-24. Review status: criteria provided, single submitter. Criteria: Ng et al. (Circ Cardiovasc Genet. 2013). Collection method: research. Allele origin: unknown. Observed: 2 variant alleles. Study: ClinSeq.
Comment: The study set was not selected for affection status in relation to any cancer. Pathogenicity categories were based on literature curation. See Pubmed ID:23861362 for details.

Medical sequencing